The following is an entry in ClinVar:

ClinVar aggregate classification (germline): Uncertain significance. Review status: criteria provided, multiple submitters, no conflicts (2 of 4 stars). 6 submissions from 6 submitters: Uncertain significance (6). Last evaluated 2025-12-22.

Conditions:
ZNF469-related disorder. Also called: ZNF469-related condition.
Cardiovascular phenotype. Identifiers: MedGen CN230736.

Allele frequency attached by ClinVar (database versions not stated): gnomAD 0.00001; gnomAD exomes 0.00004; ExAC 0.00012; 1000 Genomes Project 0.00020; 1000 Genomes Project 30x 0.00031.
gnomAD v4.1: 23 of 1,549,792 alleles (0.0015%); highest among the groups gnomAD compares: East Asian, 0.0098%; no homozygotes.

Submissions (6):

Women's Health and Genetics/Laboratory Corporation of America, LabCorp
Classification: Uncertain significance. Last evaluated: 2025-12-22. Review status: criteria provided, single submitter. Criteria: LabCorp Variant Classification Summary - May 2015. Collection method: clinical testing. Allele origin: germline.
Comment: Variant summary: ZNF469 c.8624C>T (p.Pro2875Leu) results in a non-conservative amino acid change in the encoded protein sequence. Algorithms developed to predict the effect of missense changes on protein structure and function are either unavailable or do not agree on the potential impact of this missense change. The variant allele was found at a frequency of 4e-05 in 151606 control chromosomes. The available data on variant occurrences in the general population are insufficient to allow any conclusion about variant significance. To our knowledge, no occurrence of c.8624C>T in individuals affected with ZNF469-related conditions and no experimental evidence demonstrating its impact on protein function have been reported. ClinVar contains an entry for this variant (Variation ID: 1305359). Based on the evidence outlined above, the variant was classified as uncertain significance.

PreventionGenetics, part of Exact Sciences
Classification: Uncertain significance for ZNF469-related condition. Last evaluated: 2025-07-22. Review status: criteria provided, single submitter. Criteria: ACMG Guidelines, 2015. Collection method: clinical testing. Allele origin: germline.
Comment: The ZNF469 c.8540C>T variant is predicted to result in the amino acid substitution p.Pro2847Leu. To our knowledge, this variant has not been reported in the literature. This variant is reported in 0.018% of alleles in individuals of East Asian descent in gnomAD. At this time, the clinical significance of this variant is uncertain due to the absence of conclusive functional and genetic evidence.

Ambry Genetics
Classification: Uncertain significance for Cardiovascular phenotype. Last evaluated: 2025-04-24. Review status: criteria provided, single submitter. Criteria: Ambry Variant Classification Scheme 2023. Collection method: clinical testing. Allele origin: germline.

Mayo Clinic Laboratories, Mayo Clinic
Classification: Uncertain significance. Last evaluated: 2025-03-06. Review status: criteria provided, single submitter. Criteria: ACMG Guidelines, 2015. Collection method: clinical testing. Allele origin: germline. Observed: 1 variant allele.
Comment: BP4_moderate

Labcorp Genetics (formerly Invitae), Labcorp
Classification: Uncertain significance. Last evaluated: 2024-09-30. Review status: criteria provided, single submitter. Criteria: Invitae Variant Classification Sherloc (09022015). Collection method: clinical testing. Allele origin: germline.
Comment: This sequence change replaces proline, which is neutral and non-polar, with leucine, which is neutral and non-polar, at codon 2847 of the ZNF469 protein (p.Pro2847Leu). This variant is present in population databases (rs563827222, gnomAD 0.02%). This variant has not been reported in the literature in individuals affected with ZNF469-related conditions. ClinVar contains an entry for this variant (Variation ID: 1305359). An algorithm developed to predict the effect of missense changes on protein structure and function outputs the following: PolyPhen-2: "Benign". The leucine amino acid residue is found in multiple mammalian species, which suggests that this missense change does not adversely affect protein function. In summary, the available evidence is currently insufficient to determine the role of this variant in disease. Therefore, it has been classified as a Variant of Uncertain Significance.

GeneDx
Classification: Uncertain significance. Last evaluated: 2019-04-23. Review status: criteria provided, single submitter. Criteria: GeneDx Variant Classification Process June 2021. Collection method: clinical testing. Allele origin: germline. Affected: yes.
Comment: In silico analysis, which includes protein predictors and evolutionary conservation, supports a deleterious effect; Has not been previously published as pathogenic or benign to our knowledge

NM_001367624.2(ZNF469):c.8624C>T (p.Pro2875Leu)

Gene: ZNF469 (zinc finger protein 469; plus strand). Cytogenetic location: 16q24.2.
Variant type: single nucleotide variant.
Coding change: c.8624C>T on transcript NM_001367624.2 (MANE Select); coding-DNA position 8624, C replaced by T.
Protein change: p.Pro2875Leu; replaces proline 2875 with leucine.
Molecular consequence: missense variant.
Genome position (GRCh38, 1-based): chr16:88,436,094, C>T. VCF-style: chr16-88436094-C-T. GRCh37 (hg19) VCF-style: chr16-88502502-C-T.
Other names: NM_001127464.1:c.8540C>T; p.Pro2875Leu; NM_001127464.2:c.8540C>T; short protein forms P2875L.
Identifiers: ClinVar variation 1305359 (VCV001305359.9), dbSNP rs563827222, ClinGen allele CA8225347.